The following is an entry in ClinVar:

ClinVar aggregate classification (germline): Uncertain significance (1 of 4 stars; one submission).

Conditions:
Bethlem myopathy 1A. Also called: Bethlem myopathy 1; Bethlem Muscular Dystrophy; MYOPATHY, BENIGN CONGENITAL, WITH CONTRACTURES. Identifiers: Orphanet 610, MedGen CN029274, MONDO:0024530, OMIM 158810.

Submission:

Labcorp Genetics (formerly Invitae), Labcorp
Classification: Uncertain significance for Bethlem myopathy 1A. Last evaluated: 2021-03-28. Review status: criteria provided, single submitter. Criteria: Invitae Variant Classification Sherloc (09022015). Collection method: clinical testing. Allele origin: germline.
Comment: In summary, the available evidence is currently insufficient to determine the role of this variant in disease. Therefore, it has been classified as a Variant of Uncertain Significance. Experimental studies and prediction algorithms are not available or were not evaluated, and the functional significance of this variant is currently unknown. This variant has not been reported in the literature in individuals with COL6A2-related conditions. This variant is not present in population databases (ExAC no frequency). This variant, c.1125_1133del, results in the deletion of 3 amino acid(s) of the COL6A2 protein (p.Pro378_Arg380del), but otherwise preserves the integrity of the reading frame.

NM_001849.4(COL6A2):c.1125_1133del (p.375PGR[1])

Gene: COL6A2 (collagen type VI alpha 2 chain; plus strand). Cytogenetic location: 21q22.3.
Variant type: Deletion.
Coding change: c.1125_1133del on transcript NM_001849.4 (MANE Select); coding-DNA positions 1125 to 1133, 9 bases deleted (TGGCCGCCC; older notation c.1125_1133delTGGCCGCCC).
Protein change: p.375PGR[1].
Molecular consequence: inframe deletion.
Genome position (GRCh38, 1-based): chr21:46,118,622-46,118,630, TGGCCGCCC deleted; deleting any 9 consecutive bases within chr21:46,118,619-46,118,630 gives the same sequence; the c. name uses the placement nearest the transcript's 3' end. VCF-style (leftmost placement, unchanged base first): chr21-46118618-ACCCTGGCCG-A. GRCh37 (hg19) VCF-style: chr21-47538532-ACCCTGGCCG-A.
Other names: c.1125_1133del, p.375PGR[1] (NM_058174.3, NM_058175.3).
Identifiers: ClinVar variation 1396427 (VCV001396427.8), dbSNP rs2123635719, ClinGen allele CA2573157653.